The following is an entry in ClinVar:

ClinVar aggregate classification (germline): Uncertain significance (1 of 4 stars; one submission).

Conditions:
Biotin-responsive basal ganglia disease (BTBGD). Also called: Thiamine metabolism dysfunction syndrome 2 (biotin- or thiamine-responsive encephalopathy type 2); thiamine-responsive encephalopathy; THIAMINE METABOLISM DYSFUNCTION SYNDROME 2 (BIOTIN- AND THIAMINE-RESPONSIVE TYPE); Thiamine metabolism dysfunction syndrome type 2; Thiamine Transporter-2 Deficiency. Identifiers: Orphanet 199348, Orphanet 65284, MedGen C1843807, MONDO:0011841, OMIM 607483.

Allele frequency attached by ClinVar (database versions not stated): gnomAD 0.00001; TOPMed 0.00001.
gnomAD v4.1: 9 of 1,614,094 alleles (0.00056%); highest among the groups gnomAD compares: East Asian, 0.02%; no homozygotes.

Submission:

Labcorp Genetics (formerly Invitae), Labcorp
Classification: Uncertain significance for Biotin-responsive basal ganglia disease. Last evaluated: 2021-09-02. Review status: criteria provided, single submitter. Criteria: Invitae Variant Classification Sherloc (09022015). Collection method: clinical testing. Allele origin: germline.
Comment: This sequence change replaces leucine with proline at codon 385 of the SLC19A3 protein (p.Leu385Pro). The leucine residue is moderately conserved and there is a moderate physicochemical difference between leucine and proline. This variant is present in population databases (rs563607795, ExAC 0.01%). This variant has not been reported in the literature in individuals affected with SLC19A3-related conditions. Algorithms developed to predict the effect of missense changes on protein structure and function are either unavailable or do not agree on the potential impact of this missense change (SIFT: "Deleterious"; PolyPhen-2: "Probably Damaging"; Align-GVGD: "Class C15"). In summary, the available evidence is currently insufficient to determine the role of this variant in disease. Therefore, it has been classified as a Variant of Uncertain Significance.

NM_025243.4(SLC19A3):c.1154T>C (p.Leu385Pro)

Gene: SLC19A3 (solute carrier family 19 member 3; minus strand). Cytogenetic location: 2q36.3.
Variant type: single nucleotide variant.
Coding change: c.1154T>C on transcript NM_025243.4 (MANE Select); coding-DNA position 1154, T replaced by C.
Protein change: p.Leu385Pro; replaces leucine 385 with proline.
Molecular consequence: missense variant.
Genome position (GRCh38, 1-based): chr2:227,695,907, A>G on the plus strand (T>C on the coding strand, the complement: SLC19A3 is on the minus strand). VCF-style: chr2-227695907-A-G. GRCh37 (hg19) VCF-style: chr2-228560623-A-G.
Other names: short protein forms L385P.
Identifiers: ClinVar variation 665145 (VCV000665145.6), dbSNP rs563607795, ClinGen allele CA2149147.
Genomic context (GRCh38, chr2:227,695,907, plus strand): 5'-GAGGAATACAGTTCAGTTTTAGGAGTGGTTGGTAAAACTTACACTGCTATGGTTATAAGA[A>G]GCATATAGCTGGACTTGAATATCAAATAGCCAGCATAGCACGCCCAGATATTGGCTGTGT-3'
Protein context (NP_079519.1, residues 375-395): GYLIFKSSYM[Leu385Pro]LITIAVFQIA